The following is an entry in ClinVar:

NM_001220.5(CAMK2B):c.494A>G (p.Gln165Arg)

Gene: CAMK2B (calcium/calmodulin dependent protein kinase II beta; minus strand). Cytogenetic location: 7p13.
Variant type: single nucleotide variant.
Coding change: c.494A>G on transcript NM_001220.5 (MANE Select); coding-DNA position 494, A replaced by G.
Protein change: p.Gln165Arg; replaces glutamine 165 with arginine.
Molecular consequence: missense variant.
Genome position (GRCh38, 1-based): chr7:44,243,448, T>C on the plus strand (A>G on the coding strand, the complement: CAMK2B is on the minus strand). VCF-style: chr7-44243448-T-C. GRCh37 (hg19) VCF-style: chr7-44283047-T-C.
Other names: c.494A>G, p.Gln165Arg (NM_001293170.2, NM_172078.3, NM_172079.3 and 5 more transcripts); short protein forms Q165R.
Identifiers: ClinVar variation 2840627 (VCV002840627.3), dbSNP rs2486094534, ClinGen allele CA367366038.

ClinVar aggregate classification (germline): Uncertain significance (1 of 4 stars; one submission).

Submission:

Labcorp Genetics (formerly Invitae), Labcorp
Classification: Uncertain significance. Last evaluated: 2023-02-24. Review status: criteria provided, single submitter. Criteria: Invitae Variant Classification Sherloc (09022015). Collection method: clinical testing. Allele origin: germline.
Comment: Algorithms developed to predict the effect of sequence changes on RNA splicing suggest that this variant may create or strengthen a splice site. In summary, the available evidence is currently insufficient to determine the role of this variant in disease. Therefore, it has been classified as a Variant of Uncertain Significance. An algorithm developed to predict the effect of missense changes on protein structure and function (PolyPhen-2) suggests that this variant is likely to be disruptive. This variant has not been reported in the literature in individuals affected with CAMK2B-related conditions. This variant is not present in population databases (gnomAD no frequency). This sequence change replaces glutamine, which is neutral and polar, with arginine, which is basic and polar, at codon 165 of the CAMK2B protein (p.Gln165Arg).